The following is an entry in ClinVar:

NM_000352.6(ABCC8):c.3753+6T>C

Gene: ABCC8 (ATP binding cassette subfamily C member 8; minus strand). Cytogenetic location: 11p15.1.
Variant type: single nucleotide variant.
Coding change: c.3753+6T>C on transcript NM_000352.6 (MANE Select); 6 bases into the intron after coding-DNA position 3753, T replaced by C.
Molecular consequence: intron variant.
Genome position (GRCh38, 1-based): chr11:17,398,333, A>G on the plus strand (T>C on the coding strand, the complement: ABCC8 is on the minus strand). VCF-style: chr11-17398333-A-G. GRCh37 (hg19) VCF-style: chr11-17419880-A-G.
Other names: c.3750+6T>C (NM_001351297.2); c.3753+6T>C (NM_001351296.2); c.3819+6T>C (NM_001351295.2); c.3756+6T>C (NM_001287174.3).
Identifiers: ClinVar variation 2795321 (VCV002795321.3), dbSNP rs2496474893, ClinGen allele CA2612645283.
Genomic context (GRCh38, chr11:17,398,333, plus strand): 5'-CCTGTGTGCTCTTGCTCTGGCCCCACCCTCCTATCAGAGGCCAGGGTAGAGGGGAATAGC[A>G]CTTGCCATTCGGACTTCCAGCCATCTGTTGGCAGCTGTGAGGAAGAGGGAAGCAATGTTG-3'

ClinVar aggregate classification (germline): Uncertain significance (1 of 4 stars; one submission).

Allele frequency attached by ClinVar (database versions not stated): gnomAD exomes below 0.00001.
gnomAD v4.1: 1 of 1,614,096 alleles (0.000062%); highest among the groups gnomAD compares: Non-Finnish European, 0.000085%; no homozygotes.

Submission:

Labcorp Genetics (formerly Invitae), Labcorp
Classification: Uncertain significance. Last evaluated: 2024-06-17. Review status: criteria provided, single submitter. Criteria: Invitae Variant Classification Sherloc (09022015). Collection method: clinical testing. Allele origin: germline.
Comment: This sequence change falls in intron 30 of the ABCC8 gene. It does not directly change the encoded amino acid sequence of the ABCC8 protein. It affects a nucleotide within the consensus splice site. This variant is not present in population databases (gnomAD no frequency). This variant has not been reported in the literature in individuals affected with ABCC8-related conditions. Variants that disrupt the consensus splice site are a relatively common cause of aberrant splicing (PMID: 17576681, 9536098). Algorithms developed to predict the effect of sequence changes on RNA splicing suggest that this variant may disrupt the consensus splice site. In summary, the available evidence is currently insufficient to determine the role of this variant in disease. Therefore, it has been classified as a Variant of Uncertain Significance.

Literature cited by the submitters: PubMed 17576681; PubMed 9536098.